The following is an entry in ClinVar:

ClinVar aggregate classification (germline): Conflicting classifications of pathogenicity. Review status: criteria provided, conflicting classifications (1 of 4 stars). 3 submissions from 3 submitters: Uncertain significance (2); Benign (1). Last evaluated 2025-08-19.

Conditions:
Colorectal cancer, hereditary nonpolyposis, type 7. Identifiers: Orphanet 144, MedGen C1858380, MONDO:0013725, OMIM 614385.
Ovarian cancer. Also called: OVARIAN CANCER, SOMATIC. Identifiers: Orphanet 213500, MedGen C1140680, MONDO:0008170, OMIM 167000.

Allele frequency attached by ClinVar (database versions not stated): gnomAD exomes below 0.00001 and 0.00001; TOPMed below 0.00001; ExAC 0.00001; gnomAD 0.00001.
gnomAD v4.1: 3 of 1,614,040 alleles (0.00019%); highest among the groups gnomAD compares: East Asian, 0.0067%; no homozygotes.

Submissions (3):

Ambry Genetics
Classification: Uncertain significance. Last evaluated: 2025-08-19. Review status: criteria provided, single submitter. Criteria: Ambry Variant Classification Scheme 2023. Collection method: clinical testing. Allele origin: germline.
Comment: The p.K949T variant (also known as c.2846A>C), located in coding exon 1 of the MLH3 gene, results from an A to C substitution at nucleotide position 2846. The lysine at codon 949 is replaced by threonine, an amino acid with similar properties. This amino acid position is poorly conserved in available vertebrate species. In addition, this alteration is predicted to be tolerated by in silico analysis. The evidence for this gene-disease relationship is limited; therefore, the clinical significance of this alteration is unclear.

Labcorp Genetics (formerly Invitae), Labcorp
Classification: Uncertain significance for Colorectal cancer, hereditary nonpolyposis, type 7. Last evaluated: 2024-05-06. Review status: criteria provided, single submitter. Criteria: Invitae Variant Classification Sherloc (09022015). Collection method: clinical testing. Allele origin: germline.
Comment: This sequence change replaces lysine, which is basic and polar, with threonine, which is neutral and polar, at codon 949 of the MLH3 protein (p.Lys949Thr). The frequency data for this variant in the population databases is considered unreliable, as metrics indicate poor data quality at this position in the gnomAD database. This variant has not been reported in the literature in individuals affected with MLH3-related conditions. ClinVar contains an entry for this variant (Variation ID: 1018757). An algorithm developed to predict the effect of missense changes on protein structure and function (PolyPhen-2) suggests that this variant is likely to be tolerated. In summary, the available evidence is currently insufficient to determine the role of this variant in disease. Therefore, it has been classified as a Variant of Uncertain Significance.

Laboratory of Molecular Epidemiology of Birth Defects, West China Second University Hospital, Sichuan University
Classification: Benign for Ovarian cancer. Last evaluated: 2022-01-01. Review status: criteria provided, single submitter. Criteria: ACMG Guidelines, 2015. Collection method: clinical testing. Allele origin: germline. Affected: yes.

NM_001040108.2(MLH3):c.2846A>C (p.Lys949Thr)

Gene: MLH3 (mutL homolog 3; minus strand). Cytogenetic location: 14q24.3.
Variant type: single nucleotide variant.
Coding change: c.2846A>C on transcript NM_001040108.2 (MANE Select); coding-DNA position 2846, A replaced by C.
Protein change: p.Lys949Thr; replaces lysine 949 with threonine.
Molecular consequence: missense variant.
Genome position (GRCh38, 1-based): chr14:75,046,810, T>G on the plus strand (A>C on the coding strand, the complement: MLH3 is on the minus strand). VCF-style: chr14-75046810-T-G. GRCh37 (hg19) VCF-style: chr14-75513513-T-G.
Other names: c.2846A>C, p.Lys949Thr (NM_014381.3); c.2846A>C (NM_014381.2); short protein forms K949T.
Identifiers: ClinVar variation 1018757 (VCV001018757.16), dbSNP rs766819210, ClinGen allele CA7275630.